The following is an entry in ClinVar:

ClinVar aggregate classification (germline): Uncertain significance (1 of 4 stars; one submission).

Conditions:
Hereditary cancer-predisposing syndrome. Also called: Neoplastic Syndromes, Hereditary; Tumor predisposition; Hereditary neoplastic syndrome; Hereditary Cancer Syndrome. Identifiers: Orphanet 140162, MedGen C0027672, MeSH D009386, MONDO:0015356.

Submission:

Ambry Genetics
Classification: Uncertain significance for Hereditary cancer-predisposing syndrome. Last evaluated: 2025-05-04. Review status: criteria provided, single submitter. Criteria: Ambry Variant Classification Scheme 2023. Collection method: clinical testing. Allele origin: germline.
Comment: The p.M315I variant (also known as c.945G>A), located in coding exon 3 of the ALK gene, results from a G to A substitution at nucleotide position 945. The methionine at codon 315 is replaced by isoleucine, an amino acid with highly similar properties. This amino acid position is conserved. In addition, this alteration is predicted to be tolerated by in silico analysis. Based on the available evidence, the clinical significance of this variant remains unclear.

NM_004304.5(ALK):c.945G>A (p.Met315Ile)

Gene: ALK (ALK receptor tyrosine kinase; minus strand). Cytogenetic location: 2p23.2.
Variant type: single nucleotide variant.
Coding change: c.945G>A on transcript NM_004304.5 (MANE Select); coding-DNA position 945, G replaced by A.
Protein change: p.Met315Ile; replaces methionine 315 with isoleucine.
Molecular consequence: missense variant.
Genome position (GRCh38, 1-based): chr2:29,694,857, C>T on the plus strand (G>A on the coding strand, the complement: ALK is on the minus strand). VCF-style: chr2-29694857-C-T. GRCh37 (hg19) VCF-style: chr2-29917723-C-T.
Other names: short protein forms M315I.
Identifiers: ClinVar variation 4040837 (VCV004040837.1).